The following is an entry in ClinVar:

NM_005157.6(ABL1):c.590A>G (p.Glu197Gly)

Gene: ABL1 (ABL proto-oncogene 1, non-receptor tyrosine kinase; plus strand). Cytogenetic location: 9q34.12.
Variant type: single nucleotide variant.
Coding change: c.590A>G on transcript NM_005157.6 (MANE Select); coding-DNA position 590, A replaced by G.
Protein change: p.Glu197Gly; replaces glutamic acid 197 with glycine.
Molecular consequence: missense variant.
Genome position (GRCh38, 1-based): chr9:130,862,803, A>G. VCF-style: chr9-130862803-A-G. GRCh37 (hg19) VCF-style: chr9-133738190-A-G.
Other names: c.647A>G, p.Glu216Gly (NM_007313.3); short protein forms E197G, E216G.
Identifiers: ClinVar variation 4761445 (VCV004761445.1).

ClinVar aggregate classification (germline): Uncertain significance (1 of 4 stars; one submission).

gnomAD v4.1: 8 of 1,613,142 alleles (0.0005%); highest among the groups gnomAD compares: Non-Finnish European, 0.00059%; no homozygotes.

Submission:

Labcorp Genetics (formerly Invitae), Labcorp
Classification: Uncertain significance. Last evaluated: 2025-06-03. Review status: criteria provided, single submitter. Criteria: Invitae Variant Classification Sherloc (09022015). Collection method: clinical testing. Allele origin: germline.
Comment: This sequence change replaces glutamic acid, which is acidic and polar, with glycine, which is neutral and non-polar, at codon 216 of the ABL1 protein (p.Glu216Gly). This variant is present in population databases (rs776806158, gnomAD 0.002%). This variant has not been reported in the literature in individuals affected with ABL1-related conditions. Invitae Evidence Modeling of protein sequence and biophysical properties (such as structural, functional, and spatial information, amino acid conservation, physicochemical variation, residue mobility, and thermodynamic stability) has been performed for this missense variant. However, the output from this modeling did not meet the statistical confidence thresholds required to predict the impact of this variant on ABL1 protein function. In summary, the available evidence is currently insufficient to determine the role of this variant in disease. Therefore, it has been classified as a Variant of Uncertain Significance.